The following is an entry in ClinVar:

ClinVar aggregate classification (germline): Uncertain significance (1 of 4 stars; one submission).

Conditions:
PPP5C-related disorder. Also called: PPP5C-related condition.

Allele frequency attached by ClinVar (database versions not stated): gnomAD 0.00001.

Submission:

PreventionGenetics, part of Exact Sciences
Classification: Uncertain significance for PPP5C-related condition. Last evaluated: 2023-05-24. Review status: criteria provided, single submitter. Criteria: ACMG Guidelines, 2015. Collection method: clinical testing. Allele origin: germline.
Comment: The PPP5C c.458C>G variant is predicted to result in the amino acid substitution p.Ala153Gly. To our knowledge, this variant has not been reported in the literature or in a large population database, indicating this variant is rare. At this time, the clinical significance of this variant is uncertain due to the absence of conclusive functional and genetic evidence.

NM_006247.4(PPP5C):c.458C>G (p.Ala153Gly)

Gene: PPP5C (protein phosphatase 5 catalytic subunit; plus strand). Cytogenetic location: 19q13.32.
Variant type: single nucleotide variant.
Coding change: c.458C>G on transcript NM_006247.4 (MANE Select); coding-DNA position 458, C replaced by G.
Protein change: p.Ala153Gly; replaces alanine 153 with glycine.
Molecular consequence: missense variant.
Genome position (GRCh38, 1-based): chr19:46,375,698, C>G. VCF-style: chr19-46375698-C-G. GRCh37 (hg19) VCF-style: chr19-46878955-C-G.
Other names: c.458C>G, p.Ala153Gly (NM_001204284.2); short protein forms A153G.
Identifiers: ClinVar variation 2633501 (VCV002633501.1), dbSNP rs765157979, ClinGen allele CA406462058.